The following is an entry in ClinVar:

ClinVar aggregate classification (germline): Likely pathogenic (0 of 4 stars; one submission).

Conditions:
ILDR1-related disorder. Also called: ILDR1-related condition.

Submission:

PreventionGenetics, part of Exact Sciences
Classification: Likely pathogenic for ILDR1-related condition. Last evaluated: 2024-07-23. Review status: no assertion criteria provided. Collection method: clinical testing. Allele origin: germline.
Comment: The ILDR1 c.379C>T variant is predicted to result in premature protein termination (p.Arg127*). To our knowledge, this variant has not been reported in the literature. This variant is reported in 0.00089% of alleles in individuals of European (Non-Finnish) descent in gnomAD. Nonsense variants in ILDR1 are expected to be pathogenic. This variant is interpreted as likely pathogenic.

NM_001199799.2(ILDR1):c.379C>T (p.Arg127Ter)

Gene: ILDR1 (immunoglobulin like domain containing receptor 1; minus strand). Cytogenetic location: 3q13.33.
Variant type: single nucleotide variant.
Coding change: c.379C>T on transcript NM_001199799.2 (MANE Select); coding-DNA position 379, C replaced by T.
Protein change: p.Arg127Ter; replaces arginine 127 with a stop codon.
Molecular consequence: nonsense. On other transcripts: missense variant (1).
Genome position (GRCh38, 1-based): chr3:122,005,244, G>A on the plus strand (C>T on the coding strand, the complement: ILDR1 is on the minus strand). VCF-style: chr3-122005244-G-A. GRCh37 (hg19) VCF-style: chr3-121724091-G-A.
Other names: c.379C>T, p.Pro127Ser (NM_001199800.2); c.379C>T, p.Arg127Ter (NM_175924.4); short protein forms P127S, R127*.
Identifiers: ClinVar variation 3351313 (VCV003351313.1).